The following is an entry in ClinVar:

NM_001025603.2(RFX5):c.582del (p.Ala195fs)

Gene: RFX5 (regulatory factor X5; minus strand). Cytogenetic location: 1q21.3.
Variant type: Deletion.
Coding change: c.582del on transcript NM_001025603.2 (MANE Select); coding-DNA position 582, one base deleted (A; older notation c.582delA).
Protein change: p.Ala195fs; shifts the reading frame from alanine 195.
Molecular consequence: frameshift variant.
Genome position (GRCh38, 1-based): chr1:151,343,856, T deleted on the plus strand (A on the coding strand, the reverse complement: RFX5 is on the minus strand). VCF-style (leftmost placement, unchanged base first): chr1-151343855-CT-C. GRCh37 (hg19) VCF-style: chr1-151316331-CT-C.
Other names: c.582del, p.Ala195fs (NM_000449.4, NM_001379412.1, NM_001379413.1 and 5 more transcripts); c.462del, p.Ala155fs (NM_001379419.1, NM_001379420.1); short protein forms A155fs, A195fs.
Identifiers: ClinVar variation 2809942 (VCV002809942.3), dbSNP rs2529028222, ClinGen allele CA2739275259.

ClinVar aggregate classification (germline): Pathogenic (1 of 4 stars; one submission).

Conditions:
MHC class II deficiency. Also called: Bare lymphocyte syndrome 2; BLS, TYPE II. Identifiers: Orphanet 572, MedGen C5447452, MONDO:0008855.

Submission:

Labcorp Genetics (formerly Invitae), Labcorp
Classification: Pathogenic for MHC class II deficiency. Last evaluated: 2022-10-27. Review status: criteria provided, single submitter. Criteria: Invitae Variant Classification Sherloc (09022015). Collection method: clinical testing. Allele origin: germline.
Comment: For these reasons, this variant has been classified as Pathogenic. This variant has not been reported in the literature in individuals affected with RFX5-related conditions. This variant is not present in population databases (gnomAD no frequency). This sequence change creates a premature translational stop signal (p.Ala195Hisfs*13) in the RFX5 gene. It is expected to result in an absent or disrupted protein product. Loss-of-function variants in RFX5 are known to be pathogenic (PMID: 7744245, 9401005, 10079298).

Literature cited by the submitters: PubMed 7744245; PubMed 9401005; PubMed 10079298.